The following is an entry in ClinVar:

NM_000181.4(GUSB):c.1574T>C (p.Phe525Ser)

Genes: GUSB (glucuronidase beta; minus strand), LOC126860055 (MED14-independent group 3 enhancer GRCh37_chr7:65432190-65433389; plus strand). Cytogenetic location: 7q11.21.
Variant type: single nucleotide variant.
Coding change: c.1574T>C on transcript NM_000181.4 (MANE Select); coding-DNA position 1574, T replaced by C.
Protein change: p.Phe525Ser; replaces phenylalanine 525 with serine.
Molecular consequence: missense variant. On other transcripts: non-coding transcript variant (1).
Genome position (GRCh38, 1-based): chr7:65,967,810, A>G on the plus strand (T>C on the coding strand, the complement: GUSB is on the minus strand). VCF-style: chr7-65967810-A-G. GRCh37 (hg19) VCF-style: chr7-65432797-A-G.
Other names: c.1136T>C, p.Phe379Ser (NM_001284290.2); c.1004T>C, p.Phe335Ser (NM_001293104.2); c.917T>C, p.Phe306Ser (NM_001293105.2); short protein forms F306S, F335S, F379S, F525S.
Identifiers: ClinVar variation 1805472 (VCV001805472.1), dbSNP rs2484764844, ClinGen allele CA367640087.

ClinVar aggregate classification (germline): Uncertain significance (1 of 4 stars; one submission).

Conditions:
Mucopolysaccharidosis type 7 (MPS7). Also called: BETA-GLUCURONIDASE DEFICIENCY; GUSB DEFICIENCY; SLY SYNDROME; MPS VII. Identifiers: Orphanet 584, MedGen C0085132, MONDO:0009662, OMIM 253220.

Submission:

Victorian Clinical Genetics Services, Murdoch Childrens Research Institute
Classification: Uncertain significance for Mucopolysaccharidosis type 7. Last evaluated: 2022-03-31. Review status: criteria provided, single submitter. Criteria: ACMG Guidelines, 2015. Collection method: clinical testing. Allele origin: germline. Inheritance: Autosomal recessive inheritance. Affected: yes.
Comment: Based on the classification scheme VCGS_Germline_v1.3.4, this variant is classified as VUS-3A Following criteria are met: 0102 - Loss of function is a known mechanism of disease in this gene and is associated with mucopolysaccharidosis VII (MIM#253220). (I) 0106 - This gene is associated with autosomal recessive disease. (I) 0200 - Variant is predicted to result in a missense amino acid change from phenylalanine to serine. (I) 0251 - This variant is heterozygous. (I) 0301 - Variant is absent from gnomAD (both v2 and v3). (SP) 0309 - An alternative amino acid change at the same position has been observed in gnomAD (v3) (1 heterozygote, 0 homozygotes). (I) 0501 - Missense variant consistently predicted to be damaging by multiple in silico tools or highly conserved with a major amino acid change. (SP) 0600 - Variant is located in the annotated glycosyl hydrolases family 2 TIM barrel domain (DECIPHER). (I) 0705 - No comparable missense variants have previous evidence for pathogenicity. (I) 0807 - This variant has no previous evidence of pathogenicity. (I) 0905 - No published segregation evidence has been identified for this variant. (I) 1007 - No published functional evidence has been identified for this variant. (I) 1201 - Heterozygous variant detected in trans with a second pathogenic heterozygous variant in a recessive disease. (SP) 1208 - Inheritance information for this variant is not currently available in this individual. (I) Legend: (SP) - Supporting pathogenic, (I) - Information, (SB) - Supporting benign